The following is an entry in ClinVar:

NM_001018113.3(FANCB):c.392A>G (p.Lys131Arg)

Gene: FANCB (FA complementation group B; minus strand). Cytogenetic location: Xp22.2.
Variant type: single nucleotide variant.
Coding change: c.392A>G on transcript NM_001018113.3 (MANE Select); coding-DNA position 392, A replaced by G.
Protein change: p.Lys131Arg; replaces lysine 131 with arginine.
Molecular consequence: missense variant.
Genome position (GRCh38, 1-based): chrX:14,865,119, T>C on the plus strand (A>G on the coding strand, the complement: FANCB is on the minus strand). VCF-style: chrX-14865119-T-C. GRCh37 (hg19) VCF-style: chrX-14883241-T-C.
Other names: c.392A>G, p.Lys131Arg (NM_001324162.2, NM_152633.4); short protein forms K131R.
Identifiers: ClinVar variation 1338156 (VCV001338156.4), dbSNP rs2147446934, ClinGen allele CA412444607.

ClinVar aggregate classification (germline): Uncertain significance (1 of 4 stars; one submission).

Allele frequency attached by ClinVar (database versions not stated): gnomAD exomes below 0.00001.
gnomAD v4.1: 1 of 1,208,411 alleles (0.000083%); highest among the groups gnomAD compares: Non-Finnish European, 0.00011%; no homozygotes.

Submission:

Genetic Services Laboratory, University of Chicago
Classification: Uncertain significance. Last evaluated: 2021-11-22. Review status: criteria provided, single submitter. Criteria: ACMG Guidelines, 2015. Collection method: clinical testing. Allele origin: germline. Affected: no.
Comment: DNA sequence analysis of the FANCB gene demonstrated a sequence change, c.392A>G, in exon 3 that results in an amino acid change, p.Lys131Arg. This sequence change does not appear to have been previously described in individuals with FANCB-related disorders and has also not been described in population databases such as ExAC and gnomAD. The p.Lys131Arg substitution appears to be benign using several in-silico pathogenicity prediction tools (SIFT, PolyPhen2, Align GVGD, REVEL). Due to insufficient evidences and the lack of functional studies, the clinical significance of the p.Lys131Arg change remains unknown at this time.